The following is an entry in ClinVar:

NM_002335.4(LRP5):c.4348+5G>C

Gene: LRP5 (LDL receptor related protein 5; plus strand). Cytogenetic location: 11q13.2.
Variant type: single nucleotide variant.
Coding change: c.4348+5G>C on transcript NM_002335.4 (MANE Select); 5 bases into the intron after coding-DNA position 4348, G replaced by C.
Molecular consequence: intron variant.
Genome position (GRCh38, 1-based): chr11:68,438,687, G>C. VCF-style: chr11-68438687-G-C. GRCh37 (hg19) VCF-style: chr11-68206155-G-C.
Other names: c.2605+5G>C (NM_001291902.2).
Identifiers: ClinVar variation 4781805 (VCV004781805.1).

ClinVar aggregate classification (germline): Uncertain significance (1 of 4 stars; one submission).

Submission:

Labcorp Genetics (formerly Invitae), Labcorp
Classification: Uncertain significance. Last evaluated: 2025-02-10. Review status: criteria provided, single submitter. Criteria: Invitae Variant Classification Sherloc (09022015). Collection method: clinical testing. Allele origin: germline.
Comment: This sequence change falls in intron 20 of the LRP5 gene. It does not directly change the encoded amino acid sequence of the LRP5 protein. It affects a nucleotide within the consensus splice site. This variant is not present in population databases (gnomAD no frequency). This variant has not been reported in the literature in individuals affected with LRP5-related conditions. Variants that disrupt the consensus splice site are a relatively common cause of aberrant splicing (PMID: 17576681, 9536098). Algorithms developed to predict the effect of sequence changes on RNA splicing suggest that this variant is not likely to affect RNA splicing. In summary, the available evidence is currently insufficient to determine the role of this variant in disease. Therefore, it has been classified as a Variant of Uncertain Significance.

Literature cited by the submitters: PubMed 17576681; PubMed 9536098.